The following is an entry in ClinVar:

ClinVar aggregate classification (germline): Uncertain significance (1 of 4 stars; one submission).

Conditions:
Ullrich congenital muscular dystrophy 2 (UCMD2). Identifiers: Orphanet 75840, MedGen C4225314, MONDO:0014654, OMIM 616470.
Bethlem myopathy 2 (BTHLM2). Identifiers: Orphanet 536516, Orphanet 610, MedGen C4225313, MONDO:0034022, OMIM 616471.

Submission:

Labcorp Genetics (formerly Invitae), Labcorp
Classification: Uncertain significance for Bethlem myopathy 2; Ullrich congenital muscular dystrophy 2. Last evaluated: 2024-02-24. Review status: criteria provided, single submitter. Criteria: Invitae Variant Classification Sherloc (09022015). Collection method: clinical testing. Allele origin: germline.
Comment: This sequence change replaces isoleucine, which is neutral and non-polar, with asparagine, which is neutral and polar, at codon 312 of the COL12A1 protein (p.Ile312Asn). This variant is not present in population databases (gnomAD no frequency). This variant has not been reported in the literature in individuals affected with COL12A1-related conditions. Advanced modeling of protein sequence and biophysical properties (such as structural, functional, and spatial information, amino acid conservation, physicochemical variation, residue mobility, and thermodynamic stability) performed at Invitae indicates that this missense variant is not expected to disrupt COL12A1 protein function with a negative predictive value of 80%. In summary, the available evidence is currently insufficient to determine the role of this variant in disease. Therefore, it has been classified as a Variant of Uncertain Significance.

NM_004370.6(COL12A1):c.935T>A (p.Ile312Asn)

Gene: COL12A1 (collagen type XII alpha 1 chain; minus strand). Cytogenetic location: 6q13.
Variant type: single nucleotide variant.
Coding change: c.935T>A on transcript NM_004370.6 (MANE Select); coding-DNA position 935, T replaced by A.
Protein change: p.Ile312Asn; replaces isoleucine 312 with asparagine.
Molecular consequence: missense variant. On other transcripts: intron variant (2).
Genome position (GRCh38, 1-based): chr6:75,188,424, A>T on the plus strand (T>A on the coding strand, the complement: COL12A1 is on the minus strand). VCF-style: chr6-75188424-A-T. GRCh37 (hg19) VCF-style: chr6-75898140-A-T.
Other names: c.935T>A, p.Ile312Asn (NM_001424113.1, NM_001424114.1, NM_001424115.1); c.73+14296T>A (NM_001424116.1, NM_080645.3); short protein forms I312N.
Identifiers: ClinVar variation 3754777 (VCV003754777.2).